The following is an entry in ClinVar:

ClinVar aggregate classification (germline): Uncertain significance (1 of 4 stars; one submission).

Submission:

GeneDx
Classification: Uncertain significance. Last evaluated: 2024-07-03. Review status: criteria provided, single submitter. Criteria: GeneDx Variant Classification Process June 2021. Collection method: clinical testing. Allele origin: germline. Affected: yes.
Comment: Not observed at significant frequency in large population cohorts (gnomAD); In silico analysis supports that this missense variant has a deleterious effect on protein structure/function; Has not been previously published as pathogenic or benign to our knowledge

NM_001886.3(CRYBA4):c.190G>C (p.Gly64Arg)

Gene: CRYBA4 (crystallin beta A4; plus strand). Cytogenetic location: 22q12.1.
Variant type: single nucleotide variant.
Coding change: c.190G>C on transcript NM_001886.3 (MANE Select); coding-DNA position 190, G replaced by C.
Protein change: p.Gly64Arg; replaces glycine 64 with arginine.
Molecular consequence: missense variant.
Genome position (GRCh38, 1-based): chr22:26,625,512, G>C. VCF-style: chr22-26625512-G-C. GRCh37 (hg19) VCF-style: chr22-27021476-G-C.
Other names: short protein forms G64R.
Identifiers: ClinVar variation 3393668 (VCV003393668.1).